The following is an entry in ClinVar:

NM_012414.4(RAB3GAP2):c.230A>T (p.Asp77Val)

Gene: RAB3GAP2 (RAB3 GTPase activating non-catalytic protein subunit 2; minus strand). Cytogenetic location: 1q41.
Variant type: single nucleotide variant.
Coding change: c.230A>T on transcript NM_012414.4 (MANE Select); coding-DNA position 230, A replaced by T.
Protein change: p.Asp77Val; replaces aspartic acid 77 with valine.
Molecular consequence: missense variant.
Genome position (GRCh38, 1-based): chr1:220,213,930, T>A on the plus strand (A>T on the coding strand, the complement: RAB3GAP2 is on the minus strand). VCF-style: chr1-220213930-T-A. GRCh37 (hg19) VCF-style: chr1-220387272-T-A.
Other names: short protein forms D77V.
Identifiers: ClinVar variation 3342902 (VCV003342902.4).

ClinVar aggregate classification (germline): Uncertain significance. Review status: criteria provided, multiple submitters, no conflicts (2 of 4 stars). 3 submissions from 3 submitters: Uncertain significance (3). Last evaluated 2025-11-21.

Conditions:
Martsolf syndrome (MARTS). Also called: Congenital cataract with intellectual disability and hypogonadotropic hypogonadism syndrome. Identifiers: Orphanet 1387, MedGen C0796037, MONDO:0023910.
Warburg micro syndrome 2 (WARBM2). Also called: MICRO SYNDROME 2. Identifiers: Orphanet 2510, MedGen C3280214, MONDO:0013641, OMIM 614225.
Inborn genetic diseases. Identifiers: MedGen C0950123, MeSH D030342.

gnomAD v4.1: 13 of 1,613,260 alleles (0.00081%); highest among the groups gnomAD compares: Admixed American, 0.0033%; no homozygotes.

Submissions (3):

Ambry Genetics
Classification: Uncertain significance for Inborn genetic diseases. Last evaluated: 2025-11-21. Review status: criteria provided, single submitter. Criteria: Ambry Variant Classification Scheme 2023. Collection method: clinical testing. Allele origin: germline.

Labcorp Genetics (formerly Invitae), Labcorp
Classification: Uncertain significance for Martsolf syndrome; Warburg micro syndrome 2. Last evaluated: 2024-06-10. Review status: criteria provided, single submitter. Criteria: Invitae Variant Classification Sherloc (09022015). Collection method: clinical testing. Allele origin: germline.
Comment: This sequence change replaces aspartic acid, which is acidic and polar, with valine, which is neutral and non-polar, at codon 77 of the RAB3GAP2 protein (p.Asp77Val). This variant is present in population databases (no rsID available, gnomAD 0.006%). This variant has not been reported in the literature in individuals affected with RAB3GAP2-related conditions. Advanced modeling of protein sequence and biophysical properties (such as structural, functional, and spatial information, amino acid conservation, physicochemical variation, residue mobility, and thermodynamic stability) performed at Invitae indicates that this missense variant is expected to disrupt RAB3GAP2 protein function with a positive predictive value of 80%. In summary, the available evidence is currently insufficient to determine the role of this variant in disease. Therefore, it has been classified as a Variant of Uncertain Significance.

GeneDx
Classification: Uncertain significance. Last evaluated: 2023-04-10. Review status: criteria provided, single submitter. Criteria: GeneDx Variant Classification Process June 2021. Collection method: clinical testing. Allele origin: germline. Affected: yes.
Comment: In silico analysis supports that this missense variant has a deleterious effect on protein structure/function; Has not been previously published as pathogenic or benign to our knowledge